The following is an entry in ClinVar:

ClinVar aggregate classification (germline): Uncertain significance. Review status: criteria provided, multiple submitters, no conflicts (2 of 4 stars). 2 submissions from 2 submitters: Uncertain significance (2). Last evaluated 2023-12-16.

Conditions:
Inborn genetic diseases. Identifiers: MedGen C0950123, MeSH D030342.
Sulfite oxidase deficiency. Also called: Isolated sulfite oxidase deficiency. Identifiers: Orphanet 833, Orphanet 99731, MedGen C0268624, MONDO:0010089, OMIM 272300, HP:0003643.

Allele frequency attached by ClinVar (database versions not stated): gnomAD 0.00001 and 0.00002; gnomAD exomes 0.00001 and 0.00003; TOPMed 0.00002; 1000 Genomes Project 30x 0.00031.

Submissions (2):

Ambry Genetics
Classification: Uncertain significance for Inborn genetic diseases. Last evaluated: 2023-12-16. Review status: criteria provided, single submitter. Criteria: Ambry Variant Classification Scheme 2023. Collection method: clinical testing. Allele origin: germline.

Labcorp Genetics (formerly Invitae), Labcorp
Classification: Uncertain significance for Sulfite oxidase deficiency. Last evaluated: 2022-08-23. Review status: criteria provided, single submitter. Criteria: Invitae Variant Classification Sherloc (09022015). Collection method: clinical testing. Allele origin: germline.
Comment: This sequence change replaces tyrosine, which is neutral and polar, with cysteine, which is neutral and slightly polar, at codon 392 of the SUOX protein (p.Tyr392Cys). This variant is present in population databases (rs551911845, gnomAD 0.01%). This variant has not been reported in the literature in individuals affected with SUOX-related conditions. ClinVar contains an entry for this variant (Variation ID: 1022885). Algorithms developed to predict the effect of missense changes on protein structure and function (SIFT, PolyPhen-2, Align-GVGD) all suggest that this variant is likely to be tolerated. In summary, the available evidence is currently insufficient to determine the role of this variant in disease. Therefore, it has been classified as a Variant of Uncertain Significance.

NM_001032386.2(SUOX):c.1175A>G (p.Tyr392Cys)

Gene: SUOX (sulfite oxidase; plus strand). Cytogenetic location: 12q13.2.
Variant type: single nucleotide variant.
Coding change: c.1175A>G on transcript NM_001032386.2 (MANE Select); coding-DNA position 1175, A replaced by G.
Protein change: p.Tyr392Cys; replaces tyrosine 392 with cysteine.
Molecular consequence: missense variant.
Genome position (GRCh38, 1-based): chr12:56,004,564, A>G. VCF-style: chr12-56004564-A-G. GRCh37 (hg19) VCF-style: chr12-56398348-A-G.
Other names: c.1175A>G, p.Tyr392Cys (NM_000456.3, NM_001032387.2); c.1175A>G (NM_000456.2); short protein forms Y392C.
Identifiers: ClinVar variation 1022885 (VCV001022885.46), dbSNP rs551911845, ClinGen allele CA6621121.